The following is an entry in ClinVar:

ClinVar aggregate classification (germline): Uncertain significance. Review status: criteria provided, multiple submitters, no conflicts (2 of 4 stars). 2 submissions from 2 submitters: Uncertain significance (2). Last evaluated 2025-09-17.

gnomAD v4.1: 1 of 1,612,306 alleles (0.000062%); highest among the groups gnomAD compares: Non-Finnish European, 0.000085%; no homozygotes.

Submissions (2):

Women's Health and Genetics/Laboratory Corporation of America, LabCorp
Classification: Uncertain significance. Last evaluated: 2025-09-17. Review status: criteria provided, single submitter. Criteria: LabCorp Variant Classification Summary - May 2015. Collection method: clinical testing. Allele origin: germline.
Comment: Variant summary: LAMA2 c.713C>A (p.Ala238Asp) results in a non-conservative amino acid change in the encoded protein sequence. Algorithms developed to predict the effect of missense changes on protein structure and function all suggest that this variant is likely to be disruptive. The variant was absent in 250834 control chromosomes. c.713C>A has been observed in one individual affected with Laminin Alpha 2-Related Dystrophy (Dean_2017). These data indicate that the variant may be associated with disease. To our knowledge, no experimental evidence demonstrating an impact on protein function has been reported. The following publications have been ascertained in the context of this evaluation (PMID: 28533353, 30055037). ClinVar contains an entry for this variant (Variation ID: 92982). Based on the evidence outlined above, the variant was classified as VUS-possibly pathogenic.

Eurofins Ntd Llc (ga)
Classification: Uncertain significance. Last evaluated: 2016-05-19. Review status: criteria provided, single submitter. Criteria: EGL Classification Definitions 2015. Collection method: clinical testing. Allele origin: germline. Observed: 1 variant allele, 1 homozygote.

Literature cited by the submitters: PubMed 30055037 (cited by Women's Health and Genetics/Laboratory Corporation of America, LabCorp); PubMed 28533353 (cited by Women's Health and Genetics/Laboratory Corporation of America, LabCorp).

NM_000426.4(LAMA2):c.713C>A (p.Ala238Asp)

Gene: LAMA2 (laminin subunit alpha 2; plus strand). Cytogenetic location: 6q22.33.
Variant type: single nucleotide variant.
Coding change: c.713C>A on transcript NM_000426.4 (MANE Select); coding-DNA position 713, C replaced by A.
Protein change: p.Ala238Asp; replaces alanine 238 with aspartic acid.
Molecular consequence: missense variant.
Genome position (GRCh38, 1-based): chr6:129,143,974, C>A. VCF-style: chr6-129143974-C-A. GRCh37 (hg19) VCF-style: chr6-129465119-C-A.
Other names: c.713C>A, p.Ala238Asp (NM_001079823.2); short protein forms A238D.
Identifiers: ClinVar variation 92982 (VCV000092982.7), dbSNP rs398123384, ClinGen allele CA220798.